The following is an entry in ClinVar:

ClinVar aggregate classification (germline): Uncertain significance. Review status: criteria provided, multiple submitters, no conflicts (2 of 4 stars). 2 submissions from 2 submitters: Uncertain significance (2). Last evaluated 2023-12-14.

Conditions:
Inborn genetic diseases. Identifiers: MedGen C0950123, MeSH D030342.

Allele frequency attached by ClinVar (database versions not stated): gnomAD 0.00001; gnomAD exomes 0.00002; TOPMed 0.00002.
gnomAD v4.1: 29 of 1,610,998 alleles (0.0018%); highest among the groups gnomAD compares: Non-Finnish European, 0.0024%; no homozygotes.

Submissions (2):

Ambry Genetics
Classification: Uncertain significance for Inborn genetic diseases. Last evaluated: 2023-12-14. Review status: criteria provided, single submitter. Criteria: Ambry Variant Classification Scheme 2023. Collection method: clinical testing. Allele origin: germline.

Labcorp Genetics (formerly Invitae), Labcorp
Classification: Uncertain significance. Last evaluated: 2022-11-22. Review status: criteria provided, single submitter. Criteria: Invitae Variant Classification Sherloc (09022015). Collection method: clinical testing. Allele origin: germline.
Comment: This sequence change replaces glutamine, which is neutral and polar, with lysine, which is basic and polar, at codon 816 of the ROR2 protein (p.Gln816Lys). In summary, the available evidence is currently insufficient to determine the role of this variant in disease. Therefore, it has been classified as a Variant of Uncertain Significance. Advanced modeling of protein sequence and biophysical properties (such as structural, functional, and spatial information, amino acid conservation, physicochemical variation, residue mobility, and thermodynamic stability) performed at Invitae indicates that this missense variant is not expected to disrupt ROR2 protein function. This variant has not been reported in the literature in individuals affected with ROR2-related conditions. This variant is not present in population databases (gnomAD no frequency).

NM_004560.4(ROR2):c.2446C>A (p.Gln816Lys)

Gene: ROR2 (receptor tyrosine kinase like orphan receptor 2; minus strand). Cytogenetic location: 9q22.31.
Variant type: single nucleotide variant.
Coding change: c.2446C>A on transcript NM_004560.4 (MANE Select); coding-DNA position 2446, C replaced by A.
Protein change: p.Gln816Lys; replaces glutamine 816 with lysine.
Molecular consequence: missense variant.
Genome position (GRCh38, 1-based): chr9:91,724,048, G>T on the plus strand (C>A on the coding strand, the complement: ROR2 is on the minus strand). VCF-style: chr9-91724048-G-T. GRCh37 (hg19) VCF-style: chr9-94486330-G-T.
Other names: c.2446C>A (NM_004560.3); short protein forms Q816K.
Identifiers: ClinVar variation 1897777 (VCV001897777.6), dbSNP rs1172192855, ClinGen allele CA373794275.
Genomic context (GRCh38, chr9:91,724,048, plus strand): 5'-TGGGCAGGTAGGCCCCATAGGCCGGCACCGGCTGGTAGCCGTTGACGGGGACGTAGAGCT[G>T]CGGCGGGGGCACCATGGGTCTGATCTGGCCCTTCATGGGGATGAACTGGGGCTGTGGGAA-3'
Protein context (NP_004551.2, residues 806-826): GQIRPMVPPP[Gln816Lys]LYVPVNGYQP